The following is an entry in ClinVar:

NM_004706.4(ARHGEF1):c.55G>A (p.Val19Ile)

Gene: ARHGEF1 (Rho guanine nucleotide exchange factor 1; plus strand). Cytogenetic location: 19q13.2.
Variant type: single nucleotide variant.
Coding change: c.55G>A on transcript NM_004706.4 (MANE Select); coding-DNA position 55, G replaced by A.
Protein change: p.Val19Ile; replaces valine 19 with isoleucine.
Molecular consequence: missense variant. On other transcripts: non-coding transcript variant (2).
Genome position (GRCh38, 1-based): chr19:41,888,222, G>A. VCF-style: chr19-41888222-G-A. GRCh37 (hg19) VCF-style: chr19-42392293-G-A.
Other names: c.55G>A, p.Val19Ile (NM_001396000.1, NM_001396002.1, NM_001396003.1 and 3 more transcripts); c.100G>A, p.Val34Ile (NM_199002.2); short protein forms V19I, V34I.
Identifiers: ClinVar variation 2897589 (VCV002897589.3), dbSNP rs781904321, ClinGen allele CA9465767.

ClinVar aggregate classification (germline): Uncertain significance (1 of 4 stars; one submission).

Allele frequency attached by ClinVar (database versions not stated): gnomAD 0.00002.
gnomAD v4.1: 12 of 1,613,932 alleles (0.00074%); highest among the groups gnomAD compares: Non-Finnish European, 0.001%; no homozygotes.

Submission:

Labcorp Genetics (formerly Invitae), Labcorp
Classification: Uncertain significance. Last evaluated: 2023-05-16. Review status: criteria provided, single submitter. Criteria: Invitae Variant Classification Sherloc (09022015). Collection method: clinical testing. Allele origin: germline.
Comment: In summary, the available evidence is currently insufficient to determine the role of this variant in disease. Therefore, it has been classified as a Variant of Uncertain Significance. An algorithm developed to predict the effect of missense changes on protein structure and function (PolyPhen-2) suggests that this variant is likely to be tolerated. This variant has not been reported in the literature in individuals affected with ARHGEF1-related conditions. This variant is present in population databases (rs781904321, gnomAD 0.002%). This sequence change replaces valine, which is neutral and non-polar, with isoleucine, which is neutral and non-polar, at codon 34 of the ARHGEF1 protein (p.Val34Ile).